The following is an entry in ClinVar:

ClinVar aggregate classification (germline): Uncertain significance (1 of 4 stars; one submission).

Conditions:
PLXNA4-related disorder. Also called: PLXNA4-related condition.

gnomAD v4.1: 1 of 1,614,244 alleles (0.000062%); highest among the groups gnomAD compares: Non-Finnish European, 0.000085%; no homozygotes.

Submission:

PreventionGenetics, part of Exact Sciences
Classification: Uncertain significance for PLXNA4-related condition. Last evaluated: 2026-09-16. Review status: criteria provided, single submitter. Criteria: ACMG Guidelines, 2015. Collection method: clinical testing. Allele origin: germline.
Comment: The PLXNA4 c.644C>T variant is predicted to result in the amino acid substitution p.Ala215Val. To our knowledge, this variant has not been reported in the literature. This variant is reported in 0.00088% of alleles in individuals of European (Non-Finnish) descent in gnomAD. At this time, the clinical significance of this variant is uncertain due to the absence of conclusive functional and genetic evidence.

NM_020911.2(PLXNA4):c.644C>T (p.Ala215Val)

Gene: PLXNA4 (plexin A4; minus strand). Cytogenetic location: 7q32.3.
Variant type: single nucleotide variant.
Coding change: c.644C>T on transcript NM_020911.2 (MANE Select); coding-DNA position 644, C replaced by T.
Protein change: p.Ala215Val; replaces alanine 215 with valine.
Molecular consequence: missense variant.
Genome position (GRCh38, 1-based): chr7:132,508,050, G>A on the plus strand (C>T on the coding strand, the complement: PLXNA4 is on the minus strand). VCF-style: chr7-132508050-G-A. GRCh37 (hg19) VCF-style: chr7-132192809-G-A.
Other names: c.644C>T, p.Ala215Val (NM_001105543.2, NM_001393897.1, NM_181775.4); short protein forms A215V.
Identifiers: ClinVar variation 5001028 (VCV005001028.1).